The following is an entry in ClinVar:

GRCh37/hg19 20q11.23(chr20:35577194-35586176)x1

Gene: SAMHD1 (SAM and HD domain containing deoxynucleoside triphosphate triphosphohydrolase 1; minus strand). Cytogenetic location: 20q11.23.
Variant type: copy number loss.
Change: copy number 1 (one copy instead of two) of chr20:35,577,194-35,586,176 (9.0 kb, GRCh37 coordinates, 1-based), cytogenetic band 20q11.23.
Identifiers: ClinVar variation 1180534 (VCV001180534.4).

ClinVar aggregate classification (germline): Pathogenic (1 of 4 stars; one submission).

Submission:

Illumina Laboratory Services, Illumina
Classification: Pathogenic. Last evaluated: 2020-04-15. Review status: criteria provided, single submitter. Criteria: ICSL CNVClassificationCriteria Jul2020Prior. Collection method: clinical testing. Allele origin: unknown.
Comment: This CNV is a 9 kb deletion of 20q11.23, on chromosome 20, (seq[GRCh37]del(20)(q11.23); chr20:g.35577194_35586176del),which is inherited. The CNV constitutes a loss encompassing the promoter and exon 1 of SAMHD1, including the loss of the start codon. One breakpoint occurs within 5' upstream region and the other within intron 1 of SAMHD1, which is expected to result in an absent or disrupted SAMHD1 protein. Across a selection of the available literature, this CNV was reported in at least four unrelated individuals with Aicardi-Goutieres syndrome (Ramesh et al. 2010; Leshinsky-Silver et al. 2011; Rice et al. 2013). The 9 kb 20q11.23 deletion has not been reported in published controls, however it is observed at a frequency of 0.0002623 in European population, which is based on two alleles in the Genome Aggregation Database, so the variant is presumed to be rare. Loss-of-function in SAMHD1 is a known disease mechanism (Rice et al. 2009; Ramesh et al. 2010; Goncalves et al. 2012; Rice et al. 2013). Based on the collective evidence, this CNV is classified as pathogenic.

Literature cited by the submitters: PubMed 19525956; PubMed 20653736; PubMed 21102625; PubMed 22461318; PubMed 24183309.